The following is an entry in ClinVar:

ClinVar aggregate classification (germline): Uncertain significance (1 of 4 stars; one submission).

Conditions:
Neuroblastoma, susceptibility to, 1. Identifiers: MedGen C2749485, MONDO:0009741, OMIM 256700.

Submission:

St. Jude Molecular Pathology, St. Jude Children's Research Hospital
Classification: Uncertain significance for Neuroblastoma, susceptibility to, 1. Last evaluated: 2026-10-01. Review status: criteria provided, single submitter. Criteria: St. Jude Assertion Criteria 2020. Collection method: clinical testing. Allele origin: germline.
Comment: The KIF1B c.2992-3C>G intronic change results in a C to G substitution at the -3 position of intron 27 of the KIF1B gene. This variant is predicted to result in abnormal gene splicing and RNA sequencing in the tumor sample demonstrates alternative splicing, with skipping of exon 28 (internal data). However, it is unclear what the functional sign ificance is. This variant is absent in gnomAD v2.1.1. In summary, the evidence currently available is insufficient to determine the clinical significance of this variant. It has therefore been classified as of uncertain significance.

NM_001365951.3(KIF1B):c.3130-3C>G

Gene: KIF1B (kinesin family member 1B; plus strand). Cytogenetic location: 1p36.22.
Variant type: single nucleotide variant.
Coding change: c.3130-3C>G on transcript NM_001365951.3 (MANE Select); 3 bases into the intron before coding-DNA position 3130, C replaced by G.
Molecular consequence: intron variant.
Genome position (GRCh38, 1-based): chr1:10,337,071, C>G. VCF-style: chr1-10337071-C-G. GRCh37 (hg19) VCF-style: chr1-10397129-C-G.
Other names: c.2992-3C>G (NM_015074.3); c.3130-3C>G (NM_001365952.1).
Identifiers: ClinVar variation 4813191 (VCV004813191.2).